The following is an entry in ClinVar:

ClinVar aggregate classification (germline): Likely pathogenic (1 of 4 stars; one submission).

Conditions:
Spastic paraplegia 79A, autosomal dominant, with ataxia (SPG79A). Also called: Spastic paraplegia 79A, autosomal dominant. Identifiers: MedGen C5774300, MONDO:0859363, OMIM 620221.

Submission:

3billion
Classification: Likely pathogenic for Spastic paraplegia 79A, autosomal dominant, with ataxia. Last evaluated: 2023-11-05. Review status: criteria provided, single submitter. Criteria: ACMG Guidelines, 2015. Collection method: clinical testing. Allele origin: germline. Affected: yes.
Comment: The variant is not observed in the gnomAD v2.1.1 dataset. Predicted Consequence/Location: Stop-gained (nonsense): predicted to result in a loss or disruption of normal protein function through protein truncation. The predicted truncated protein may be shortened by more than 10%. Damaging effect on gene or gene product predicted by in silico programs is uncertain [Splice AI: 0.97 (spliceogenicity >=0.2, non-spliceogenicity <0.1)]. Therefore, this variant is classified as Likely pathogenic according to the recommendation of ACMG/AMP guideline.

NM_004181.5(UCHL1):c.583A>T (p.Lys195Ter)

Gene: UCHL1 (ubiquitin C-terminal hydrolase L1; plus strand). Cytogenetic location: 4p13.
Variant type: single nucleotide variant.
Coding change: c.583A>T on transcript NM_004181.5 (MANE Select); coding-DNA position 583, A replaced by T.
Protein change: p.Lys195Ter; replaces lysine 195 with a stop codon.
Molecular consequence: nonsense.
Genome position (GRCh38, 1-based): chr4:41,264,159, A>T. VCF-style: chr4-41264159-A-T. GRCh37 (hg19) VCF-style: chr4-41266176-A-T.
Other names: short protein forms K195*.
Identifiers: ClinVar variation 3776083 (VCV003776083.1).